The following is an entry in ClinVar:

ClinVar aggregate classification (germline): Uncertain significance (1 of 4 stars; one submission).

Conditions:
Cardiovascular phenotype. Identifiers: MedGen CN230736.

Allele frequency attached by ClinVar (database versions not stated): ExAC 0.00001.
gnomAD v4.1: 1 of 1,614,090 alleles (0.000062%); highest among the groups gnomAD compares: South Asian, 0.0011%; no homozygotes.

Submission:

Ambry Genetics
Classification: Uncertain significance for Cardiovascular phenotype. Last evaluated: 2021-12-16. Review status: criteria provided, single submitter. Criteria: Ambry Variant Classification Scheme 2023. Collection method: clinical testing. Allele origin: germline.
Comment: The p.K1453N variant (also known as c.4359G>T), located in coding exon 25 of the SCN10A gene, results from a G to T substitution at nucleotide position 4359. The lysine at codon 1453 is replaced by asparagine, an amino acid with similar properties. This amino acid position is conserved. In addition, the in silico prediction for this alteration is inconclusive. Since supporting evidence is limited at this time, the clinical significance of this alteration remains unclear.

NM_006514.4(SCN10A):c.4359G>T (p.Lys1453Asn)

Gene: SCN10A (sodium voltage-gated channel alpha subunit 10; minus strand). Cytogenetic location: 3p22.2.
Variant type: single nucleotide variant.
Coding change: c.4359G>T on transcript NM_006514.4 (MANE Select); coding-DNA position 4359, G replaced by T.
Protein change: p.Lys1453Asn; replaces lysine 1453 with asparagine.
Molecular consequence: missense variant.
Genome position (GRCh38, 1-based): chr3:38,707,306, C>A on the plus strand (G>T on the coding strand, the complement: SCN10A is on the minus strand). VCF-style: chr3-38707306-C-A. GRCh37 (hg19) VCF-style: chr3-38748797-C-A.
Other names: c.4356G>T, p.Lys1452Asn (NM_001293306.2); c.4065G>T, p.Lys1355Asn (NM_001293307.2); short protein forms K1355N, K1453N, K1452N.
Identifiers: ClinVar variation 1739980 (VCV001739980.2), dbSNP rs772430907, ClinGen allele CA2319928.